The following is an entry in ClinVar:

ClinVar aggregate classification (germline): Uncertain significance (1 of 4 stars; one submission).

Conditions:
Pitt-Hopkins syndrome (PTHS). Also called: ENCEPHALOPATHY, SEVERE EPILEPTIC, WITH AUTONOMIC DYSFUNCTION; MENTAL RETARDATION, SYNDROMAL, WITH INTERMITTENT HYPERVENTILATION. Identifiers: Orphanet 2896, MedGen C1970431, MONDO:0012589, OMIM 610954.

gnomAD v4.1: 1 of 1,614,124 alleles (0.000062%); no homozygotes.

Submission:

Labcorp Genetics (formerly Invitae), Labcorp
Classification: Uncertain significance for Pitt-Hopkins syndrome. Last evaluated: 2024-08-15. Review status: criteria provided, single submitter. Criteria: Invitae Variant Classification Sherloc (09022015). Collection method: clinical testing. Allele origin: germline.
Comment: This sequence change replaces isoleucine, which is neutral and non-polar, with methionine, which is neutral and non-polar, at codon 541 of the TCF4 protein (p.Ile541Met). This variant is not present in population databases (gnomAD no frequency). This variant has not been reported in the literature in individuals affected with TCF4-related conditions. Invitae Evidence Modeling of protein sequence and biophysical properties (such as structural, functional, and spatial information, amino acid conservation, physicochemical variation, residue mobility, and thermodynamic stability) indicates that this missense variant is not expected to disrupt TCF4 protein function with a negative predictive value of 95%. In summary, the available evidence is currently insufficient to determine the role of this variant in disease. Therefore, it has been classified as a Variant of Uncertain Significance.

NM_001083962.2(TCF4):c.1623C>G (p.Ile541Met)

Gene: TCF4 (transcription factor 4; minus strand). Cytogenetic location: 18q21.2.
Variant type: single nucleotide variant.
Coding change: c.1623C>G on transcript NM_001083962.2 (MANE Select); coding-DNA position 1623, C replaced by G.
Protein change: p.Ile541Met; replaces isoleucine 541 with methionine.
Molecular consequence: missense variant.
Genome position (GRCh38, 1-based): chr18:55,232,535, G>C on the plus strand (C>G on the coding strand, the complement: TCF4 is on the minus strand). VCF-style: chr18-55232535-G-C. GRCh37 (hg19) VCF-style: chr18-52899766-G-C.
Other names: c.1641C>G, p.Ile547Met (NM_001243228.2); c.1614C>G, p.Ile538Met (NM_001243230.2); c.1233C>G, p.Ile411Met (NM_001330605.3, NM_001348212.2, NM_001348213.2 and 1 more transcripts); c.1929C>G, p.Ile643Met (NM_001243226.3); c.1551C>G, p.Ile517Met (NM_001243227.2, NM_001348217.1, NM_001348218.2 and 5 more transcripts); c.1497C>G, p.Ile499Met (NM_001348211.2, NM_001243231.2); c.1140C>G, p.Ile380Met (NM_001348214.2); c.975C>G, p.Ile325Met (NM_001348215.2); and 6 more; short protein forms I325M, I517M, I540M, I411M, I516M, I541M, I380M, I381M.
Identifiers: ClinVar variation 3681838 (VCV003681838.2).